The following is an entry in ClinVar:

NM_004369.4(COL6A3):c.5159A>G (p.Lys1720Arg)

Gene: COL6A3 (collagen type VI alpha 3 chain; minus strand). Cytogenetic location: 2q37.3.
Variant type: single nucleotide variant.
Coding change: c.5159A>G on transcript NM_004369.4 (MANE Select); coding-DNA position 5159, A replaced by G.
Protein change: p.Lys1720Arg; replaces lysine 1720 with arginine.
Molecular consequence: missense variant.
Genome position (GRCh38, 1-based): chr2:237,367,028, T>C on the plus strand (A>G on the coding strand, the complement: COL6A3 is on the minus strand). VCF-style: chr2-237367028-T-C. GRCh37 (hg19) VCF-style: chr2-238275671-T-C.
Other names: c.3338A>G, p.Lys1113Arg (NM_057166.5); c.4541A>G, p.Lys1514Arg (NM_057167.4); short protein forms K1113R, K1514R, K1720R.
Identifiers: ClinVar variation 1002596 (VCV001002596.9), dbSNP rs2077571169, ClinGen allele CA351188310.
Genomic context (GRCh38, chr2:237,367,028, plus strand): 5'-TCCAGGCGGCTGCCTGCCTCAGGCACAAAGTGGTTTACCCGCAGGTGCTCAAGGCCCACC[T>C]TAGTGTTGGCGTGTCTTCCCCCTTTGTAGACCACTTTGTTGATGGCGTCAATAATCTGCC-3'
Protein context (NP_004360.2, residues 1710-1730): VYKGGRHANT[Lys1720Arg]VGLEHLRVNH

ClinVar aggregate classification (germline): Uncertain significance (1 of 4 stars; one submission).

Conditions:
Bethlem myopathy 1A. Also called: Bethlem Muscular Dystrophy; MYOPATHY, BENIGN CONGENITAL, WITH CONTRACTURES; Bethlem myopathy 1. Identifiers: Orphanet 610, MedGen CN029274, MONDO:0024530, OMIM 158810.

Allele frequency attached by ClinVar (database versions not stated): gnomAD exomes below 0.00001; TOPMed below 0.00001.
gnomAD v4.1: 2 of 1,614,232 alleles (0.00012%); highest among the groups gnomAD compares: African/African-American, 0.0013%; no homozygotes.

Submission:

Labcorp Genetics (formerly Invitae), Labcorp
Classification: Uncertain significance for Bethlem myopathy 1A. Last evaluated: 2020-05-06. Review status: criteria provided, single submitter. Criteria: Invitae Variant Classification Sherloc (09022015). Collection method: clinical testing. Allele origin: germline.
Comment: This variant is not present in population databases (ExAC no frequency). In summary, the available evidence is currently insufficient to determine the role of this variant in disease. Therefore, it has been classified as a Variant of Uncertain Significance. Algorithms developed to predict the effect of missense changes on protein structure and function output the following: SIFT: "Tolerated"; PolyPhen-2: "Benign"; Align-GVGD: "Class C0". The arginine amino acid residue is found in multiple mammalian species, suggesting that this missense change does not adversely affect protein function. These predictions have not been confirmed by published functional studies and their clinical significance is uncertain. This variant has not been reported in the literature in individuals with COL6A3-related conditions. This sequence change replaces lysine with arginine at codon 1720 of the COL6A3 protein (p.Lys1720Arg). The lysine residue is weakly conserved and there is a small physicochemical difference between lysine and arginine.